The following is an entry in ClinVar:

NM_002473.6(MYH9):c.3230A>C (p.Gln1077Pro)

Gene: MYH9 (myosin heavy chain 9; minus strand). Cytogenetic location: 22q12.3.
Variant type: single nucleotide variant.
Coding change: c.3230A>C on transcript NM_002473.6 (MANE Select); coding-DNA position 3230, A replaced by C.
Protein change: p.Gln1077Pro; replaces glutamine 1077 with proline.
Molecular consequence: missense variant.
Genome position (GRCh38, 1-based): chr22:36,296,885, T>G on the plus strand (A>C on the coding strand, the complement: MYH9 is on the minus strand). VCF-style: chr22-36296885-T-G. GRCh37 (hg19) VCF-style: chr22-36692931-T-G.
Other names: c.3230A>C (NM_002473.4); short protein forms Q1077P.
Identifiers: ClinVar variation 2987612 (VCV002987612.4), dbSNP rs2517966027, ClinGen allele CA411389349.

ClinVar aggregate classification (germline): Uncertain significance. Review status: criteria provided, multiple submitters, no conflicts (2 of 4 stars). 2 submissions from 2 submitters: Uncertain significance (2). Last evaluated 2024-05-08.

Conditions:
Inborn genetic diseases. Identifiers: MedGen C0950123, MeSH D030342.

Allele frequency attached by ClinVar (database versions not stated): gnomAD exomes below 0.00001.
gnomAD v4.1: 1 of 1,613,472 alleles (0.000062%); highest among the groups gnomAD compares: Admixed American, 0.0017%; no homozygotes.

Submissions (2):

Ambry Genetics
Classification: Uncertain significance for Inborn genetic diseases. Last evaluated: 2024-05-08. Review status: criteria provided, single submitter. Criteria: Ambry Variant Classification Scheme 2023. Collection method: clinical testing. Allele origin: germline.

Labcorp Genetics (formerly Invitae), Labcorp
Classification: Uncertain significance. Last evaluated: 2023-12-02. Review status: criteria provided, single submitter. Criteria: Invitae Variant Classification Sherloc (09022015). Collection method: clinical testing. Allele origin: germline.
Comment: This sequence change replaces glutamine, which is neutral and polar, with proline, which is neutral and non-polar, at codon 1077 of the MYH9 protein (p.Gln1077Pro). This variant is not present in population databases (gnomAD no frequency). This variant has not been reported in the literature in individuals affected with MYH9-related conditions. Advanced modeling of protein sequence and biophysical properties (such as structural, functional, and spatial information, amino acid conservation, physicochemical variation, residue mobility, and thermodynamic stability) has been performed at Invitae for this missense variant, however the output from this modeling did not meet the statistical confidence thresholds required to predict the impact of this variant on MYH9 protein function. In summary, the available evidence is currently insufficient to determine the role of this variant in disease. Therefore, it has been classified as a Variant of Uncertain Significance.